The following is an entry in ClinVar:

ClinVar aggregate classification (germline): Uncertain significance. Review status: criteria provided, multiple submitters, no conflicts (2 of 4 stars). 10 submissions from 10 submitters: Uncertain significance (7). 3 of the submissions do not count toward it. Last evaluated 2024-10-14.

Conditions:
LOXHD1-related disorder. Also called: LOXHD1-related condition.
Inborn genetic diseases. Identifiers: MedGen C0950123, MeSH D030342.
Autosomal recessive nonsyndromic hearing loss 77. Identifiers: Orphanet 90636, MedGen C2746083, MONDO:0013119, OMIM 613079.

Allele frequency attached by ClinVar (database versions not stated): ExAC 0.00019; 1000 Genomes Project 30x 0.00031; 1000 Genomes Project 0.00040; gnomAD 0.00041 and 0.00042; gnomAD exomes 0.00042; TOPMed 0.00048.
gnomAD v4.1: 645 of 1,551,698 alleles (0.042%); highest among the groups gnomAD compares: Admixed American, 0.18%; 1 homozygote.

Submissions (10):

Blueprint Genetics
Classification: Uncertain significance. Last evaluated: 2024-10-14. Review status: criteria provided, single submitter. Criteria: ACMG Guidelines, 2015. Collection method: clinical testing. Allele origin: germline.

CeGaT Center for Human Genetics Tuebingen
Classification: Uncertain significance. Last evaluated: 2023-02-01. Review status: criteria provided, single submitter. Criteria: CeGaT Center For Human Genetics Tuebingen Variant Classification Criteria Version 2. Collection method: clinical testing. Allele origin: germline. Affected: yes. Observed: 1 variant allele.
Comment: LOXHD1: PM2

Labcorp Genetics (formerly Invitae), Labcorp
Classification: Uncertain significance. Last evaluated: 2022-07-08. Review status: criteria provided, single submitter. Criteria: Invitae Variant Classification Sherloc (09022015). Collection method: clinical testing. Allele origin: germline.
Comment: This sequence change replaces asparagine, which is neutral and polar, with serine, which is neutral and polar, at codon 241 of the LOXHD1 protein (p.Asn241Ser). This variant is present in population databases (rs191697915, gnomAD 0.2%). This variant has not been reported in the literature in individuals affected with LOXHD1-related conditions. ClinVar contains an entry for this variant (Variation ID: 198278). Algorithms developed to predict the effect of missense changes on protein structure and function are either unavailable or do not agree on the potential impact of this missense change (SIFT: "Deleterious"; PolyPhen-2: "Benign"; Align-GVGD: "Class C0"). Algorithms developed to predict the effect of sequence changes on RNA splicing suggest that this variant may create or strengthen a splice site. In summary, the available evidence is currently insufficient to determine the role of this variant in disease. Therefore, it has been classified as a Variant of Uncertain Significance.

Ambry Genetics
Classification: Uncertain significance for Inborn genetic diseases. Last evaluated: 2021-08-10. Review status: criteria provided, single submitter. Criteria: Ambry Variant Classification Scheme 2023. Collection method: clinical testing. Allele origin: germline.

Laboratory for Molecular Medicine, Mass General Brigham Personalized Medicine
Classification: Uncertain significance. Last evaluated: 2018-11-27. Review status: criteria provided, single submitter. Criteria: LMM Criteria. Collection method: clinical testing. Allele origin: germline. Observed: 2 variant alleles.
Comment: It has also been identified in 0.15% (40/255 14) of Latino chromosomes by gnomAD, and has been reported in ClinVar (Variation ID 198278). Computational prediction tools a nd conservation analysis suggest that the variant may impact the protein, though this information is not predictive enough to determine pathogenicity. In summar y, the clinical significance of the p.Asn241Ser variant is uncertain. ACMG/AMP c riteria: BS1_Supporting, PP3.

Illumina Laboratory Services, Illumina
Classification: Uncertain significance for Autosomal recessive nonsyndromic hearing loss 77. Last evaluated: 2018-01-12. Review status: criteria provided, single submitter. Criteria: ICSL Variant Classification Criteria 13 December 2019. Collection method: clinical testing. Allele origin: germline.

Eurofins Ntd Llc (ga)
Classification: Uncertain significance. Last evaluated: 2014-10-16. Review status: criteria provided, single submitter. Criteria: EGL Classification Definitions 2015. Collection method: clinical testing. Allele origin: germline. Observed: 1 variant allele, 1 heterozygote.

PreventionGenetics, part of Exact Sciences
Classification: Likely benign for LOXHD1-related condition. Last evaluated: 2023-04-12. Review status: no assertion criteria provided. Collection method: clinical testing. Allele origin: germline. Not counted in ClinVar's aggregate classification.
Comment: This variant is classified as likely benign based on ACMG/AMP sequence variant interpretation guidelines (Richards et al. 2015 PMID: 25741868, with internal and published modifications).

Natera, Inc.
Classification: Uncertain significance for Autosomal recessive deafness type 77. Last evaluated: 2019-11-11. Review status: no assertion criteria provided. Collection method: clinical testing. Allele origin: germline. Not counted in ClinVar's aggregate classification.

Department of Pathology and Laboratory Medicine, Sinai Health System
Classification: Uncertain significance. Review status: no assertion criteria provided. Collection method: clinical testing. Allele origin: unknown. Affected: yes. Study: The Canadian Open Genetics Repository (COGR). Not counted in ClinVar's aggregate classification.
Comment: The LOXHD1 p.Asn241Ser variant was not identified in the literature nor was it identified in LOVD 3.0. The variant was identified in dbSNP (ID: rs191697915) and ClinVar (classified as uncertain significance by EGL Genetics and Laboratory for Molecular Medicine). The variant was identified in control databases in 73 of 187990 chromosomes at a frequency of 0.0003883 (Genome Aggregation Database March 6, 2019, v2.1.1). The variant was observed in the following populations: Latino in 40 of 25514 chromosomes (freq: 0.001568), Other in 5 of 5484 chromosomes (freq: 0.000912), Ashkenazi Jewish in 7 of 8790 chromosomes (freq: 0.000796) and European (non-Finnish) in 21 of 76012 chromosomes (freq: 0.000276), but was not observed in the African, East Asian, European (Finnish), or South Asian populations. The p.Asn241 residue is conserved in mammals and computational analyses (PolyPhen-2, SIFT, AlignGVGD, BLOSUM, MutationTaster) provide inconsistent predictions regarding the impact to the protein; this information is not very predictive of pathogenicity. The variant occurs outside of the splicing consensus sequence and three of four in silico or computational prediction software programs (SpliceSiteFinder, MaxEntScan, NNSPLICE, GeneSplicer) do not predict a greater than 10% difference in splicing; this is not very predictive of pathogenicity. In summary, based on the above information the clinical significance of this variant cannot be determined with certainty at this time. This variant is classified as a variant of uncertain significance.

NM_001384474.1(LOXHD1):c.722A>G (p.Asn241Ser)

Gene: LOXHD1 (lipoxygenase homology PLAT domains 1; minus strand). Cytogenetic location: 18q21.1.
Variant type: single nucleotide variant.
Coding change: c.722A>G on transcript NM_001384474.1 (MANE Select); coding-DNA position 722, A replaced by G.
Protein change: p.Asn241Ser; replaces asparagine 241 with serine.
Molecular consequence: missense variant.
Genome position (GRCh38, 1-based): chr18:46,610,813, T>C on the plus strand (A>G on the coding strand, the complement: LOXHD1 is on the minus strand). VCF-style: chr18-46610813-T-C. GRCh37 (hg19) VCF-style: chr18-44190776-T-C.
Other names: c.722A>G, p.Asn241Ser (NM_144612.7); short protein forms N241S.
Identifiers: ClinVar variation 198278 (VCV000198278.47), dbSNP rs191697915, ClinGen allele CA246837.
Genomic context (GRCh38, chr18:46,610,813, plus strand): 5'-TGCAGAGAAGCAGCTGAACTCACCTGGGACAGGAACCAACCTGCAGAGCCCCCCTTATTG[T>C]TGTGGCCAACATTGATCTTCATCAGCTGCCCCAAATCCGGGGCATCCAGGATGAACCTGT-3'
Protein context (NP_001371403.1, residues 231-251): GQLMKINVGH[Asn241Ser]NKGGSAGWFL